The following is an entry in ClinVar:

ClinVar aggregate classification (germline): Uncertain significance. Review status: criteria provided, multiple submitters, no conflicts (2 of 4 stars). 2 submissions from 2 submitters: Uncertain significance (2). Last evaluated 2026-06-11.

Conditions:
PCNT-related disorder. Also called: PCNT-related condition.

gnomAD v4.1: 5 of 1,607,552 alleles (0.00031%); highest among the groups gnomAD compares: Middle Eastern, 0.022%; no homozygotes.

Submissions (2):

PreventionGenetics, part of Exact Sciences
Classification: Uncertain significance for PCNT-related condition. Last evaluated: 2026-06-11. Review status: criteria provided, single submitter. Criteria: ACMG Guidelines, 2015. Collection method: clinical testing. Allele origin: germline.
Comment: The PCNT c.4001A>C variant is predicted to result in the amino acid substitution p.Gln1334Pro. To our knowledge, this variant has not been reported in the literature or in a large population database (gnomAD). At this time, the clinical significance of this variant is uncertain due to the absence of conclusive functional and genetic evidence.

Genetic Services Laboratory, University of Chicago
Classification: Uncertain significance. Last evaluated: 2015-11-25. Review status: criteria provided, single submitter. Criteria: ACMG Guidelines, 2015. Collection method: clinical testing. Allele origin: germline. Affected: no.

NM_006031.6(PCNT):c.4001A>C (p.Gln1334Pro)

Gene: PCNT (pericentrin; plus strand). Cytogenetic location: 21q22.3.
Variant type: single nucleotide variant.
Coding change: c.4001A>C on transcript NM_006031.6 (MANE Select); coding-DNA position 4001, A replaced by C.
Protein change: p.Gln1334Pro; replaces glutamine 1334 with proline.
Molecular consequence: missense variant.
Genome position (GRCh38, 1-based): chr21:46,390,830, A>C. VCF-style: chr21-46390830-A-C. GRCh37 (hg19) VCF-style: chr21-47810745-A-C.
Other names: c.3647A>C, p.Gln1216Pro (NM_001315529.2); short protein forms Q1334P, Q1216P.
Identifiers: ClinVar variation 436264 (VCV000436264.7), dbSNP rs1318648644, ClinGen allele CA410576435.